The following is an entry in ClinVar:

NM_006070.6(TFG):c.184+262C>T

Gene: TFG (trafficking from ER to golgi regulator; plus strand). Cytogenetic location: 3q12.2.
Variant type: single nucleotide variant.
Coding change: c.184+262C>T on transcript NM_006070.6 (MANE Select); 262 bases into the intron after coding-DNA position 184, C replaced by T.
Molecular consequence: intron variant.
Genome position (GRCh38, 1-based): chr3:100,714,131, C>T. VCF-style: chr3-100714131-C-T. GRCh37 (hg19) VCF-style: chr3-100432975-C-T.
Other names: c.184+262C>T (NM_001007565.2, NM_001195479.2, NM_001195478.2).
Identifiers: ClinVar variation 669894 (VCV000669894.1), dbSNP rs13059686, ClinGen allele CA11626243.

ClinVar aggregate classification (germline): Benign (1 of 4 stars; one submission).

Allele frequency attached by ClinVar (database versions not stated): 1000 Genomes Project 0.35783; 1000 Genomes Project 30x 0.36227; TOPMed 0.36576; gnomAD 0.37143 and 0.37247.

Submission:

GeneDx
Classification: Benign. Last evaluated: 2018-06-14. Review status: criteria provided, single submitter. Criteria: GeneDx Variant Classification (06012015). Collection method: clinical testing. Allele origin: germline. Affected: yes.
Comment: This variant is considered likely benign or benign based on one or more of the following criteria: it is a conservative change, it occurs at a poorly conserved position in the protein, it is predicted to be benign by multiple in silico algorithms, and/or has population frequency not consistent with disease.